The following is an entry in ClinVar:

NM_000138.5(FBN1):c.6730A>T (p.Met2244Leu)

Gene: FBN1 (fibrillin 1; minus strand). Cytogenetic location: 15q21.1.
Variant type: single nucleotide variant.
Coding change: c.6730A>T on transcript NM_000138.5 (MANE Select); coding-DNA position 6730, A replaced by T.
Protein change: p.Met2244Leu; replaces methionine 2244 with leucine.
Molecular consequence: missense variant.
Genome position (GRCh38, 1-based): chr15:48,432,875, T>A on the plus strand (A>T on the coding strand, the complement: FBN1 is on the minus strand). VCF-style: chr15-48432875-T-A. GRCh37 (hg19) VCF-style: chr15-48725072-T-A.
Other names: c.6730A>T, p.Met2244Leu (NM_001406716.1); short protein forms M2244L.
Identifiers: ClinVar variation 2927133 (VCV002927133.3), dbSNP rs2505424715, ClinGen allele CA392333214.
Genomic context (GRCh38, chr15:48,432,875, plus strand): 5'-CCTCACAGATAAAGCTTCCTGGCTTAGATGACCTTGAACACGATGACTCACCTTTGCACA[T>A]CCTACGGTCTTCTCTGAGCACATATCCCACGGGACATTTGCATTCATATGACCCATAAGT-3'
Protein context (NP_000129.3, residues 2234-2254): VGYVLREDRR[Met2244Leu]CKDEDECEEG

ClinVar aggregate classification (germline): Uncertain significance (1 of 4 stars; one submission).

Conditions:
Marfan syndrome (MFS). Also called: MARFAN SYNDROME, TYPE I; Marfan syndrome type 1; Marfan's syndrome; Marfan syndrome, classic; FBN1-Related Marfan Syndrome. Identifiers: Orphanet 284963, Orphanet 558, MedGen C0024796, MONDO:0007947, OMIM 154700.
Familial thoracic aortic aneurysm and aortic dissection (TAAD). Also called: Thoracic aortic aneurysms and dissections. Identifiers: Orphanet 91387, MedGen C4707243, MONDO:0019625.

Allele frequency attached by ClinVar (database versions not stated): gnomAD exomes below 0.00001.
gnomAD v4.1: 2 of 1,613,614 alleles (0.00012%); highest among the groups gnomAD compares: Non-Finnish European, 0.00017%; no homozygotes.

Submission:

Labcorp Genetics (formerly Invitae), Labcorp
Classification: Uncertain significance for Marfan syndrome; Familial thoracic aortic aneurysm and aortic dissection. Last evaluated: 2024-03-26. Review status: criteria provided, single submitter. Criteria: Invitae Variant Classification Sherloc (09022015). Collection method: clinical testing. Allele origin: germline.
Comment: This sequence change replaces methionine, which is neutral and non-polar, with leucine, which is neutral and non-polar, at codon 2244 of the FBN1 protein (p.Met2244Leu). This variant is not present in population databases (gnomAD no frequency). This variant has not been reported in the literature in individuals affected with FBN1-related conditions. Advanced modeling of protein sequence and biophysical properties (such as structural, functional, and spatial information, amino acid conservation, physicochemical variation, residue mobility, and thermodynamic stability) has been performed at Invitae for this missense variant, however the output from this modeling did not meet the statistical confidence thresholds required to predict the impact of this variant on FBN1 protein function. In summary, the available evidence is currently insufficient to determine the role of this variant in disease. Therefore, it has been classified as a Variant of Uncertain Significance.